The following is an entry in ClinVar:

ClinVar aggregate classification (germline): Uncertain significance. Review status: criteria provided, multiple submitters, no conflicts (2 of 4 stars). 2 submissions from 2 submitters: Uncertain significance (2). Last evaluated 2022-02-12.

Conditions:
Inborn genetic diseases. Identifiers: MedGen C0950123, MeSH D030342.
Tay-Sachs disease (TSD). Also called: GM2 gangliosidosis, type 1; Hexosaminidase alpha-subunit deficiency (variant B); Sphingolipidosis, Tay-Sachs; Hexosaminidase A Deficiency; HEXA DEFICIENCY; HEXA Disorders. Identifiers: Orphanet 845, MedGen C0039373, MONDO:0010100, OMIM 272800.

Allele frequency attached by ClinVar (database versions not stated): TOPMed below 0.00001; gnomAD 0.00001; gnomAD exomes 0.00001.
gnomAD v4.1: 4 of 1,613,990 alleles (0.00025%); highest among the groups gnomAD compares: Non-Finnish European, 0.00034%; no homozygotes.

Submissions (2):

Labcorp Genetics (formerly Invitae), Labcorp
Classification: Uncertain significance for Tay-Sachs disease. Last evaluated: 2022-02-12. Review status: criteria provided, single submitter. Criteria: Invitae Variant Classification Sherloc (09022015). Collection method: clinical testing. Allele origin: germline.
Comment: This sequence change replaces phenylalanine, which is neutral and non-polar, with leucine, which is neutral and non-polar, at codon 287 of the HEXA protein (p.Phe287Leu). This variant is not present in population databases (gnomAD no frequency). This variant has not been reported in the literature in individuals affected with HEXA-related conditions. Algorithms developed to predict the effect of missense changes on protein structure and function are either unavailable or do not agree on the potential impact of this missense change (SIFT: "Deleterious"; PolyPhen-2: "Benign"; Align-GVGD: "Class C0"). In summary, the available evidence is currently insufficient to determine the role of this variant in disease. Therefore, it has been classified as a Variant of Uncertain Significance.

Ambry Genetics
Classification: Uncertain significance for Inborn genetic diseases. Last evaluated: 2021-08-02. Review status: criteria provided, single submitter. Criteria: Ambry Variant Classification Scheme 2023. Collection method: clinical testing. Allele origin: germline.
Comment: The p.F287L variant (also known as c.859T>C), located in coding exon 8 of the HEXA gene, results from a T to C substitution at nucleotide position 859. The phenylalanine at codon 287 is replaced by leucine, an amino acid with highly similar properties. This amino acid position is conserved. In addition, the in silico prediction for this alteration is inconclusive. Since supporting evidence is limited at this time, the clinical significance of this alteration remains unclear.

NM_000520.6(HEXA):c.859T>C (p.Phe287Leu)

Gene: HEXA (hexosaminidase subunit alpha; minus strand). Cytogenetic location: 15q23.
Variant type: single nucleotide variant.
Coding change: c.859T>C on transcript NM_000520.6 (MANE Select); coding-DNA position 859, T replaced by C.
Protein change: p.Phe287Leu; replaces phenylalanine 287 with leucine.
Molecular consequence: missense variant. On other transcripts: non-coding transcript variant (1).
Genome position (GRCh38, 1-based): chr15:72,349,206, A>G on the plus strand (T>C on the coding strand, the complement: HEXA is on the minus strand). VCF-style: chr15-72349206-A-G. GRCh37 (hg19) VCF-style: chr15-72641547-A-G.
Other names: c.892T>C, p.Phe298Leu (NM_001318825.2); short protein forms F287L, F298L.
Identifiers: ClinVar variation 1763988 (VCV001763988.4), dbSNP rs2088663016, ClinGen allele CA393062574.